The following is an entry in ClinVar:

NM_006421.5(ARFGEF1):c.2339C>G (p.Ala780Gly)

Gene: ARFGEF1 (ARF guanine nucleotide exchange factor 1; minus strand). Cytogenetic location: 8q13.2.
Variant type: single nucleotide variant.
Coding change: c.2339C>G on transcript NM_006421.5 (MANE Select); coding-DNA position 2339, C replaced by G.
Protein change: p.Ala780Gly; replaces alanine 780 with glycine.
Molecular consequence: missense variant. On other transcripts: non-coding transcript variant (1).
Genome position (GRCh38, 1-based): chr8:67,258,187, G>C on the plus strand (C>G on the coding strand, the complement: ARFGEF1 is on the minus strand). VCF-style: chr8-67258187-G-C. GRCh37 (hg19) VCF-style: chr8-68170422-G-C.
Other names: c.2339C>G, p.Ala780Gly (NM_001413184.1, NM_001413185.1, NM_001413186.1 and 7 more transcripts); c.1739C>G, p.Ala580Gly (NM_001413188.1, NM_001413193.1, NM_001413197.1); c.914C>G, p.Ala305Gly (NM_001413196.1); short protein forms A305G, A580G, A780G.
Identifiers: ClinVar variation 3377599 (VCV003377599.1).

ClinVar aggregate classification (germline): Uncertain significance (1 of 4 stars; one submission).

Conditions:
Developmental delay, impaired speech, and behavioral abnormalities, with or without seizures (DEDISB). Identifiers: MedGen C5575272, MONDO:0859263, OMIM 619964.

gnomAD v4.1: 8 of 1,612,542 alleles (0.0005%); highest among the groups gnomAD compares: South Asian, 0.0066%; no homozygotes.

Submission:

Neuberg Centre For Genomic Medicine, NCGM
Classification: Uncertain significance for Developmental delay, impaired speech, and behavioral abnormalities, with or without seizures. Last evaluated: 2023-06-22. Review status: criteria provided, single submitter. Criteria: ACMG Guidelines, 2015. Collection method: clinical testing. Allele origin: germline. Inheritance: Autosomal dominant inheritance. Affected: yes.
Comment: The observed missense c.2339C>G(p.Ala780Gly) variant in ARFGEF1 gene has not been reported previously as a pathogenic variant nor a benign variant, to our knowledge. The p.Ala780Gly variant has been reported with allele frequency of 0.001% in gnomAD Exomes. This variant has not been submitted to the ClinVar database. Multiple lines of computational evidences (Polyphen - Probably damaging, SIFT - Damaging and MutationTaster - Disease causing) predict a damaging effect on protein structure and function for this variant. The reference amino acid change at this position on ARFGEF1 gene is predicted as conserved by GERP++ and PhyloP across 100 vertebrates. The amino acid Ala at position 780 is changed to a Gly changing protein sequence and it might alter its composition and physico-chemical properties. For these reasons, this variant has been classified as a Variant of Uncertain significance (VUS).